The following is an entry in ClinVar:

ClinVar aggregate classification (germline): Pathogenic (1 of 4 stars; one submission).

Conditions:
Werner syndrome (WRN). Identifiers: Orphanet 902, MedGen C0043119, MONDO:0010196, OMIM 277700.

Submission:

Labcorp Genetics (formerly Invitae), Labcorp
Classification: Pathogenic for Werner syndrome. Last evaluated: 2023-05-08. Review status: criteria provided, single submitter. Criteria: Invitae Variant Classification Sherloc (09022015). Collection method: clinical testing. Allele origin: germline.
Comment: This variant has not been reported in the literature in individuals affected with WRN-related conditions. This sequence change creates a premature translational stop signal (p.Gln1257Valfs*21) in the WRN gene. It is expected to result in an absent or disrupted protein product. Loss-of-function variants in WRN are known to be pathogenic (PMID: 16673358). This variant is not present in population databases (gnomAD no frequency). For these reasons, this variant has been classified as Pathogenic.

Literature cited by the submitters: PubMed 16673358.

NM_000553.6(WRN):c.3769_3770del (p.Gln1257fs)

Gene: WRN (WRN RecQ like helicase; plus strand). Cytogenetic location: 8p12.
Variant type: Microsatellite.
Coding change: c.3769_3770del on transcript NM_000553.6 (MANE Select); coding-DNA positions 3769 to 3770, 2 bases deleted (CA; older notation c.3769_3770delCA).
Protein change: p.Gln1257fs; shifts the reading frame from glutamine 1257.
Molecular consequence: frameshift variant.
Genome position (GRCh38, 1-based): chr8:31,154,705-31,154,706, CA deleted; deleting any 2 consecutive bases within chr8:31,154,703-31,154,706 gives the same sequence; the c. name uses the placement nearest the transcript's 3' end. VCF-style (leftmost placement, unchanged base first): chr8-31154702-TCA-T. GRCh37 (hg19) VCF-style: chr8-31012218-TCA-T.
Other names: short protein forms Q1257fs.
Identifiers: ClinVar variation 1941255 (VCV001941255.5), dbSNP rs1268227280, ClinGen allele CA850745069.